The following is an entry in ClinVar:

NM_000352.6(ABCC8):c.3775G>A (p.Val1259Met)

Gene: ABCC8 (ATP binding cassette subfamily C member 8; minus strand). Cytogenetic location: 11p15.1.
Variant type: single nucleotide variant.
Coding change: c.3775G>A on transcript NM_000352.6 (MANE Select); coding-DNA position 3775, G replaced by A.
Protein change: p.Val1259Met; replaces valine 1259 with methionine.
Molecular consequence: missense variant. On other transcripts: non-coding transcript variant (1).
Genome position (GRCh38, 1-based): chr11:17,397,776, C>T on the plus strand (G>A on the coding strand, the complement: ABCC8 is on the minus strand). VCF-style: chr11-17397776-C-T. GRCh37 (hg19) VCF-style: chr11-17419323-C-T.
Other names: c.3775G>A (NM_000352.3); c.3778G>A, p.Val1260Met (NM_001287174.3); c.3841G>A, p.Val1281Met (NM_001351295.2); c.3775G>A, p.Val1259Met (NM_001351296.2); c.3772G>A, p.Val1258Met (NM_001351297.2); short protein forms V1259M, V1260M, V1258M, V1281M.
Identifiers: ClinVar variation 2065295 (VCV002065295.7), dbSNP rs745948796, ClinGen allele CA5902692.

ClinVar aggregate classification (germline): Uncertain significance. Review status: criteria provided, multiple submitters, no conflicts (2 of 4 stars). 6 submissions from 6 submitters: Uncertain significance (6). Last evaluated 2026-04-13.

Conditions:
Hyperinsulinemic hypoglycemia, familial, 1 (HHF1). Also called: HYPERINSULINISM, FAMILIAL, WITH PANCREATIC NESIDIOBLASTOSIS; HYPOGLYCEMIA, HYPERINSULINEMIC, OF INFANCY; NESIDIOBLASTOSIS OF PANCREAS; Persistent Hyperinsulinemia Hypoglycemia of Infancy; Persistent hyperinsulinemic hypoglycemia of infancy. Identifiers: Orphanet 276575, Orphanet 276598, MedGen C2931832, MONDO:0009734, OMIM 256450.
Leucine-induced hypoglycemia (LIH). Also called: LEUCINE-SENSITIVE HYPOGLYCEMIA OF INFANCY. Identifiers: MedGen C0271714, MONDO:0009415, OMIM 240800.
Diabetes mellitus, transient neonatal, 2 (TNDM2). Identifiers: Orphanet 99886, MedGen C1835887, MONDO:0012480, OMIM 610374. Disease mechanism: loss of function.
Diabetes mellitus, permanent neonatal 3. Also called: ABCC8-Related Permanent Neonatal Diabetes Mellitus. Identifiers: MedGen C5394303, MONDO:0030088, OMIM 618857.
Type 2 diabetes mellitus. Also called: Type II diabetes mellitus. Identifiers: MedGen C0011860, MeSH D003924, MONDO:0005148, OMIM 125853, HP:0005978.

Allele frequency attached by ClinVar (database versions not stated): ExAC 0.00003; gnomAD 0.00003; gnomAD exomes 0.00006; TOPMed 0.00006.
gnomAD v4.1: 100 of 1,613,740 alleles (0.0062%); highest among the groups gnomAD compares: Middle Eastern, 0.13%; no homozygotes.

Submissions (6):

Women's Health and Genetics/Laboratory Corporation of America, LabCorp
Classification: Uncertain significance. Last evaluated: 2026-04-13. Review status: criteria provided, single submitter. Criteria: LabCorp Variant Classification Summary - May 2015. Collection method: clinical testing. Allele origin: germline.
Comment: Variant summary: ABCC8 c.3775G>A (p.Val1259Met) results in a conservative amino acid change in the encoded protein sequence. Algorithms developed to predict the effect of missense changes on protein structure and function are either unavailable or do not agree on the potential impact of this missense change. The variant allele was found at a frequency of 5.2e-05 in 250538 control chromosomes (gnomAD). This frequency is not significantly higher than estimated for disease-causing variants in ABCC8, allowing no conclusion about variant significance. c.3775G>A has been observed in at least one individual affected with diabetes (De Franco_2020). The report does not provide unequivocal conclusions about association of the variant with Familial Hyperinsulinism. To our knowledge, no experimental evidence demonstrating an impact on protein function has been reported. The following publications have been ascertained in the context of this evaluation (PMID: 39411402, 32027066, 32041611). ClinVar contains an entry for this variant (Variation ID: 2065295). Based on the evidence outlined above, the variant was classified as uncertain significance.

Labcorp Genetics (formerly Invitae), Labcorp
Classification: Uncertain significance. Last evaluated: 2024-11-29. Review status: criteria provided, single submitter. Criteria: Invitae Variant Classification Sherloc (09022015). Collection method: clinical testing. Allele origin: germline.
Comment: This sequence change replaces valine, which is neutral and non-polar, with methionine, which is neutral and non-polar, at codon 1259 of the ABCC8 protein (p.Val1259Met). This variant is present in population databases (rs745948796, gnomAD 0.01%). This missense change has been observed in individual(s) with diabetes (PMID: 32027066). This variant is also known as p.Val1260Met. ClinVar contains an entry for this variant (Variation ID: 2065295). Invitae Evidence Modeling of protein sequence and biophysical properties (such as structural, functional, and spatial information, amino acid conservation, physicochemical variation, residue mobility, and thermodynamic stability) indicates that this missense variant is expected to disrupt ABCC8 protein function with a positive predictive value of 95%. In summary, the available evidence is currently insufficient to determine the role of this variant in disease. Therefore, it has been classified as a Variant of Uncertain Significance.

Blueprint Genetics
Classification: Uncertain significance. Last evaluated: 2024-08-23. Review status: criteria provided, single submitter. Criteria: ACMG Guidelines, 2015. Collection method: clinical testing. Allele origin: germline.

Fulgent Genetics
Classification: Uncertain significance for Type 2 diabetes mellitus; Leucine-induced hypoglycemia; Hyperinsulinemic hypoglycemia, familial, 1; Diabetes mellitus, transient neonatal, 2; Diabetes mellitus, permanent neonatal 3. Last evaluated: 2024-01-18. Review status: criteria provided, single submitter. Criteria: ACMG Guidelines, 2015. Collection method: clinical testing. Allele origin: germline.

GeneDx
Classification: Uncertain significance. Last evaluated: 2022-11-04. Review status: criteria provided, single submitter. Criteria: GeneDx Variant Classification Process June 2021. Collection method: clinical testing. Allele origin: germline. Affected: yes.
Comment: Identified in a patient with diabetes and an affected parent in published literature (De Franco et al., 2020); In silico analysis supports that this missense variant has a deleterious effect on protein structure/function; This variant is associated with the following publications: (PMID: 32041611, 32027066)

Center of Excellence of Human Genetics, National Research Center
Classification: Uncertain significance for Type 2 diabetes mellitus. Review status: criteria provided, single submitter. Criteria: ACMG Guidelines, 2015. Collection method: clinical testing. Allele origin: germline. Affected: yes.
Comment: The variant c.3775G>A p.V1259M rs745948796 in ABCC8 is a missense substitution located in exon 31 of the gene, and it has been observed in the general population with a gnomAD allele frequency of 0.006100%, with no homozygous individuals reported. Computational prediction scores for this variant are CADD=26.2 and REVEL=0.871. This variant is reported in ClinVar with three submissions, all classifying it as of uncertain significance.

Literature cited by the submitters: PubMed 32027066 (cited by 3 submitters); PubMed 32041611 (cited by Women's Health and Genetics/Laboratory Corporation of America, LabCorp); PubMed 39411402 (cited by Women's Health and Genetics/Laboratory Corporation of America, LabCorp).